The following is an entry in ClinVar:

NM_005235.3(ERBB4):c.508C>T (p.Pro170Ser)

Gene: ERBB4 (erb-b2 receptor tyrosine kinase 4; minus strand). Cytogenetic location: 2q34.
Variant type: single nucleotide variant.
Coding change: c.508C>T on transcript NM_005235.3 (MANE Select); coding-DNA position 508, C replaced by T.
Protein change: p.Pro170Ser; replaces proline 170 with serine.
Molecular consequence: missense variant.
Genome position (GRCh38, 1-based): chr2:211,788,073, G>A on the plus strand (C>T on the coding strand, the complement: ERBB4 is on the minus strand). VCF-style: chr2-211788073-G-A. GRCh37 (hg19) VCF-style: chr2-212652798-G-A.
Other names: c.508C>T, p.Pro170Ser (NM_001042599.2); short protein forms P170S.
Identifiers: ClinVar variation 1333938 (VCV001333938.2), dbSNP rs1223312722, ClinGen allele CA350443109.

ClinVar aggregate classification (germline): Uncertain significance. Review status: criteria provided, multiple submitters, no conflicts (2 of 4 stars). 2 submissions from 2 submitters: Uncertain significance (2). Last evaluated 2025-04-14.

Conditions:
Amyotrophic lateral sclerosis type 19. Identifiers: Orphanet 803, MedGen C3715155, MONDO:0014223, OMIM 615515.

Allele frequency attached by ClinVar (database versions not stated): TOPMed below 0.00001; gnomAD 0.00001; gnomAD exomes 0.00001.
gnomAD v4.1: 22 of 1,613,100 alleles (0.0014%); highest among the groups gnomAD compares: Non-Finnish European, 0.0019%; no homozygotes.

Submissions (2):

Labcorp Genetics (formerly Invitae), Labcorp
Classification: Uncertain significance. Last evaluated: 2025-04-14. Review status: criteria provided, single submitter. Criteria: Invitae Variant Classification Sherloc (09022015). Collection method: clinical testing. Allele origin: germline.
Comment: This sequence change replaces proline, which is neutral and non-polar, with serine, which is neutral and polar, at codon 170 of the ERBB4 protein (p.Pro170Ser). This variant is present in population databases (no rsID available, gnomAD 0.003%). This variant has not been reported in the literature in individuals affected with ERBB4-related conditions. ClinVar contains an entry for this variant (Variation ID: 1333938). An algorithm developed to predict the effect of missense changes on protein structure and function (PolyPhen-2) suggests that this variant is likely to be tolerated. In summary, the available evidence is currently insufficient to determine the role of this variant in disease. Therefore, it has been classified as a Variant of Uncertain Significance.

CENTOGENE GmbH and LLC - Guiding Precision Medicine
Classification: Uncertain significance for Amyotrophic lateral sclerosis type 19. Last evaluated: 2019-06-24. Review status: criteria provided, single submitter. Criteria: ACMG Guidelines, 2015. Collection method: clinical testing. Allele origin: germline. Affected: yes.